The following is an entry in ClinVar:

ClinVar aggregate classification (germline): Pathogenic (1 of 4 stars; one submission).

Conditions:
Familial adenomatous polyposis 1 (FAP1). Also called: FAMILIAL ADENOMATOUS POLYPOSIS 1, ATTENUATED; POLYPOSIS, ADENOMATOUS INTESTINAL. Identifiers: MedGen C2713442, MONDO:0021056, OMIM 175100. Disease mechanism: loss of function.

Submission:

Labcorp Genetics (formerly Invitae), Labcorp
Classification: Pathogenic for Familial adenomatous polyposis 1. Last evaluated: 2016-01-17. Review status: criteria provided, single submitter. Criteria: Invitae Variant Classification Sherloc (09022015). Collection method: clinical testing. Allele origin: germline.
Comment: This variant is a gross deletion of the genomic region encompassing exons 10-16 of the APC gene. The 5' boundary is likely confined to intron 9. The 3' end of this event is unknown as it extends through the termination codon beyond the assayed region for this gene and may encompass additional genes. While this deletion is not anticipated to result in nonsense mediated decay, it is expected to create a truncated APC protein. Truncating variants in APC are known to be pathogenic. A gross deletion encompassing the same exons has been reported in the literature in individuals affected with familial adenomatous polyposis (PMID: 17568392, 20223039). In the literature, this copy number change is reported as a deletion of exons 9-15. For these reasons, this variant has been classified as Pathogenic.

Literature cited by the submitters: PubMed 17568392; PubMed 20223039.

NC_000005.9:g.(?_112154657)_(112179828_?)del

Gene: APC (APC regulator of Wnt signaling pathway; plus strand). Cytogenetic location: 5q22.2.
Variant type: Deletion.
Identifiers: ClinVar variation 1069155 (VCV001069155.1).